The following is an entry in ClinVar:

ClinVar aggregate classification (germline): Pathogenic (1 of 4 stars; one submission).

Conditions:
Polycystic kidney disease, adult type (PKD1). Also called: Polycystic Kidney Disease 1, Autosomal Dominant; Polycystic kidney disease 1; Polycystic kidney disease 1, severe; Polycystic Kidney, Autosomal Dominant; POLYCYSTIC KIDNEY DISEASE, ADULT, TYPE I; POLYCYSTIC KIDNEY DISEASE 1 WITH OR WITHOUT POLYCYSTIC LIVER DISEASE. Identifiers: MedGen C3149841, MONDO:0008263, OMIM 173900.

Submission:

Women's Health and Genetics/Laboratory Corporation of America, LabCorp
Classification: Pathogenic for Polycystic kidney disease, adult type. Last evaluated: 2026-03-02. Review status: criteria provided, single submitter. Criteria: LabCorp Variant Classification Summary - May 2015. Collection method: clinical testing. Allele origin: germline.
Comment: Variant summary: PKD1 c.4784delC (p.Pro1595LeufsX38) results in a premature termination codon, predicted to cause absence of the protein due to nonsense mediated decay, which is a commonly known mechanisms for disease. The variant was absent in 249422 control chromosomes (gnomAD). To our knowledge, no occurrence of c.4784delC in individuals affected with PKD1-related conditions and no experimental evidence demonstrating its impact on protein function have been reported. No submitters have cited clinical-significance assessments for this variant to ClinVar. Based on the evidence outlined above, the variant was classified as pathogenic.

NM_001009944.3(PKD1):c.4784del (p.Pro1595fs)

Gene: PKD1 (polycystin 1, transient receptor potential channel interacting; minus strand). Cytogenetic location: 16p13.3.
Variant type: Deletion.
Coding change: c.4784del on transcript NM_001009944.3 (MANE Select); coding-DNA position 4784, one base deleted (C; older notation c.4784delC).
Protein change: p.Pro1595fs; shifts the reading frame from proline 1595.
Molecular consequence: frameshift variant.
Genome position (GRCh38, 1-based): chr16:2,110,383, G deleted on the plus strand (C on the coding strand, the reverse complement: PKD1 is on the minus strand); the first of 2 consecutive G bases (chr16:2,110,383-2,110,384); deleting either gives the same sequence. VCF-style (leftmost placement, unchanged base first): chr16-2110382-AG-A. GRCh37 (hg19) VCF-style: chr16-2160383-AG-A.
Other names: c.4784delC (NM_001009944.3); c.4784del, p.Pro1595fs (NM_000296.4); short protein forms P1595fs.
Identifiers: ClinVar variation 4847564 (VCV004847564.1).